The following is an entry in ClinVar:

NM_001481.3(DRC4):c.523C>T (p.Arg175Trp)

Gene: DRC4 (dynein regulatory complex subunit 4; plus strand). Cytogenetic location: 16q24.3.
Variant type: single nucleotide variant.
Coding change: c.523C>T on transcript NM_001481.3 (MANE Select); coding-DNA position 523, C replaced by T.
Protein change: p.Arg175Trp; replaces arginine 175 with tryptophan.
Molecular consequence: missense variant. On other transcripts: intron variant (1).
Genome position (GRCh38, 1-based): chr16:90,035,660, C>T. VCF-style: chr16-90035660-C-T. GRCh37 (hg19) VCF-style: chr16-90102068-C-T.
Other names: c.274C>T, p.Arg92Trp (NM_001286205.2); c.448C>T, p.Arg150Trp (NM_001286209.2); c.-26-721C>T (NM_001286208.2); short protein forms R150W, R175W, R92W.
Identifiers: ClinVar variation 2148620 (VCV002148620.3), dbSNP rs769299858, ClinGen allele CA8257844.

ClinVar aggregate classification (germline): Uncertain significance (1 of 4 stars; one submission).

Conditions:
Primary ciliary dyskinesia 33. Also called: CILIARY DYSKINESIA, PRIMARY, 33, WITHOUT SITUS INVERSUS. Identifiers: Orphanet 244, MedGen C4225230, MONDO:0014750, OMIM 616726.

Allele frequency attached by ClinVar (database versions not stated): gnomAD 0.00001; gnomAD exomes 0.00001; TOPMed 0.00003; ExAC 0.00005.
gnomAD v4.1: 23 of 1,613,982 alleles (0.0014%); highest among the groups gnomAD compares: Middle Eastern, 0.033%; no homozygotes.

Submission:

Labcorp Genetics (formerly Invitae), Labcorp
Classification: Uncertain significance for Primary ciliary dyskinesia 33. Last evaluated: 2024-04-06. Review status: criteria provided, single submitter. Criteria: Invitae Variant Classification Sherloc (09022015). Collection method: clinical testing. Allele origin: germline.
Comment: This sequence change replaces arginine, which is basic and polar, with tryptophan, which is neutral and slightly polar, at codon 175 of the GAS8 protein (p.Arg175Trp). This variant is present in population databases (rs769299858, gnomAD 0.009%). This variant has not been reported in the literature in individuals affected with GAS8-related conditions. ClinVar contains an entry for this variant (Variation ID: 2148620). Advanced modeling of protein sequence and biophysical properties (such as structural, functional, and spatial information, amino acid conservation, physicochemical variation, residue mobility, and thermodynamic stability) has been performed at Invitae for this missense variant, however the output from this modeling did not meet the statistical confidence thresholds required to predict the impact of this variant on GAS8 protein function. In summary, the available evidence is currently insufficient to determine the role of this variant in disease. Therefore, it has been classified as a Variant of Uncertain Significance.